The following is an entry in ClinVar:

NM_001127.4(AP1B1):c.1438-3C>T

Gene: AP1B1 (adaptor related protein complex 1 subunit beta 1; minus strand). Cytogenetic location: 22q12.2.
Variant type: single nucleotide variant.
Coding change: c.1438-3C>T on transcript NM_001127.4 (MANE Select); 3 bases into the intron before coding-DNA position 1438, C replaced by T.
Molecular consequence: intron variant.
Genome position (GRCh38, 1-based): chr22:29,342,386, G>A on the plus strand (C>T on the coding strand, the complement: AP1B1 is on the minus strand). VCF-style: chr22-29342386-G-A. GRCh37 (hg19) VCF-style: chr22-29738375-G-A.
Other names: NC_000022.10:g.29738375G>A; c.1438-3C>T (NM_001127.3, NM_001378566.1, NM_001166019.2 and 3 more transcripts); c.1267-3C>T (NM_001378565.1, NM_001378564.1).
Identifiers: ClinVar variation 4457231 (VCV004457231.2).

ClinVar aggregate classification (germline): Likely benign (1 of 4 stars; one submission).

Conditions:
AP1B1-related disorder. Also called: AP1B1-related condition.

gnomAD v4.1: 155 of 1,612,224 alleles (0.0096%); highest among the groups gnomAD compares: African/African-American, 0.2%; no homozygotes.

Submissions (2):

PreventionGenetics, part of Exact Sciences
Classification: Likely benign for AP1B1-related condition. Last evaluated: 2026-01-02. Review status: criteria provided, single submitter. Criteria: ACMG Guidelines, 2015. Collection method: clinical testing. Allele origin: germline.
Comment: This variant is classified as likely benign based on ACMG/AMP sequence variant interpretation guidelines (Richards et al. 2015 PMID: 25741868, with internal and published modifications).

Dr. Peter K. Rogan Lab, Western University
No classification provided (evidence only). Condition: Acute myeloid leukemia. Review status: no classification provided. Collection method: in vitro. Allele origin: not applicable. Functional consequence: retained intron. Not counted in ClinVar's aggregate classification.